The following is an entry in ClinVar:

ClinVar aggregate classification (germline): Uncertain significance. Review status: criteria provided, single submitter (1 of 4 stars). 2 submissions from 2 submitters: Uncertain significance (1). 1 of the submissions does not count toward it. Last evaluated 2024-12-24.

Conditions:
AHSP-related disorder. Also called: AHSP-related condition.

Allele frequency attached by ClinVar (database versions not stated): TOPMed 0.00461; ESP Exome Variant Server 0.00539; ExAC 0.00572; gnomAD exomes 0.00681; 1000 Genomes Project 30x 0.00172; 1000 Genomes Project 0.00160; gnomAD 0.00525.
gnomAD v4.1: 10,698 of 1,614,114 alleles (0.66%); highest among the groups gnomAD compares: Non-Finnish European, 0.81%; 54 homozygotes.

Submissions (2):

Mayo Clinic Laboratories, Mayo Clinic
Classification: Uncertain significance. Last evaluated: 2024-12-24. Review status: criteria provided, single submitter. Criteria: ACMG Guidelines, 2015. Collection method: clinical testing. Allele origin: germline. Observed: 7 variant alleles.
Comment: BS1, BP4, PS3_supporting

PreventionGenetics, part of Exact Sciences
Classification: Benign for AHSP-related condition. Last evaluated: 2022-04-08. Review status: no assertion criteria provided. Collection method: clinical testing. Allele origin: germline. Not counted in ClinVar's aggregate classification.
Comment: This variant is classified as benign based on ACMG/AMP sequence variant interpretation guidelines (Richards et al. 2015 PMID: 25741868, with internal and published modifications).

Literature cited by the submitters: PubMed 17874450 (cited by Mayo Clinic Laboratories, Mayo Clinic); PubMed 27830006 (cited by Mayo Clinic Laboratories, Mayo Clinic); PubMed 31132363 (cited by Mayo Clinic Laboratories, Mayo Clinic); PubMed 38542374 (cited by Mayo Clinic Laboratories, Mayo Clinic).

NM_016633.4(AHSP):c.224A>T (p.Asn75Ile)

Gene: AHSP (alpha hemoglobin stabilizing protein; plus strand). Cytogenetic location: 16p11.2.
Variant type: single nucleotide variant.
Coding change: c.224A>T on transcript NM_016633.4 (MANE Select); coding-DNA position 224, A replaced by T.
Protein change: p.Asn75Ile; replaces asparagine 75 with isoleucine.
Molecular consequence: missense variant.
Genome position (GRCh38, 1-based): chr16:31,528,606, A>T. VCF-style: chr16-31528606-A-T. GRCh37 (hg19) VCF-style: chr16-31539927-A-T.
Other names: p.Asn75Ile; c.224A>T, p.Asn75Ile (NM_001318221.2, NM_001318222.2); short protein forms N75I.
Identifiers: ClinVar variation 3056941 (VCV003056941.4), dbSNP rs75782426, ClinGen allele CA8032111.